The following is an entry in ClinVar:

ClinVar aggregate classification (germline): Likely pathogenic. Review status: criteria provided, multiple submitters, no conflicts (2 of 4 stars). 4 submissions from 4 submitters: Likely pathogenic (4). Last evaluated 2025-09-21.

Conditions:
Hereditary breast ovarian cancer syndrome. Also called: Hereditary breast and ovarian cancer syndrome; Hereditary breast and ovarian cancer; Hereditary breast and ovarian cancer syndrome (HBOC); Hereditary breast and/or ovarian cancer syndrome; Breast and ovarian cancer; BRCA1- and BRCA2-Associated Hereditary Breast and Ovarian Cancer. Identifiers: Orphanet 145, MedGen C0677776, MeSH D061325, MONDO:0003582. Disease mechanism: loss of function.
Familial cancer of breast. Also called: Hereditary breast cancer; BREAST CANCER, FAMILIAL; hereditary breast carcinoma. Identifiers: Orphanet 227535, MedGen C0346153, MONDO:0016419, OMIM 114480. Disease mechanism: loss of function.

Submissions (4):

Labcorp Genetics (formerly Invitae), Labcorp
Classification: Likely pathogenic for Familial cancer of breast. Last evaluated: 2025-09-21. Review status: criteria provided, single submitter. Criteria: Invitae Variant Classification Sherloc (09022015). Collection method: clinical testing. Allele origin: germline.
Comment: This sequence change affects an acceptor splice site in intron 8 of the BARD1 gene. It is expected to disrupt RNA splicing. Variants that disrupt the donor or acceptor splice site typically lead to a loss of protein function (PMID: 16199547), and loss-of-function variants in BARD1 are known to be pathogenic (PMID: 20077502, 21344236). This variant is not present in population databases (gnomAD no frequency). Disruption of this splice site has been observed in individual(s) with breast cancer (PMID: 29752822, 38355628). ClinVar contains an entry for this variant (Variation ID: 245801). Algorithms developed to predict the effect of sequence changes on RNA splicing suggest that this variant may disrupt the consensus splice site. In summary, the currently available evidence indicates that the variant is pathogenic, but additional data are needed to prove that conclusively. Therefore, this variant has been classified as Likely Pathogenic.

German Consortium for Hereditary Breast and Ovarian Cancer, University Hospital Cologne
Classification: Likely pathogenic for Hereditary breast ovarian cancer syndrome. Last evaluated: 2024-06-10. Review status: criteria provided, single submitter. Criteria: ACMG Guidelines, 2015. Collection method: curation. Allele origin: germline.
Comment: According to the ACMG SVI adaptation criteria we chose these criteria: PVS1 (strong pathogenic): Null variant (nonsense, frameshift, canonical +/-1 or 2 splice sites, initiation codon, single or multi-exon deletion) in a gene where loss of function (LOF) is a known mechanism of disease , PS4 (supporting pathogenic): Li et al. 2019 (PMID: 29752822) 1 Patient ClinVar 1 Patient affected (für 2 weitere unknown), PM2 (supporting pathogenic): absent from gnomAD v2/v3/v4

Myriad Genetics, Inc.
Classification: Likely pathogenic for Familial cancer of breast. Last evaluated: 2023-05-24. Review status: criteria provided, single submitter. Criteria: Myriad Autosomal Dominant, Autosomal Recessive and X-Linked Classification Criteria (2023). Collection method: clinical testing. Allele origin: unknown.
Comment: This variant is considered likely pathogenic. This variant occurs within a consensus splice junction and is predicted to result in abnormal mRNA splicing of either an out-of-frame exon or an in-frame exon necessary for protein stability and/or normal function.

GeneDx
Classification: Likely pathogenic. Last evaluated: 2022-05-02. Review status: criteria provided, single submitter. Criteria: GeneDx Variant Classification Process June 2021. Collection method: clinical testing. Allele origin: germline. Affected: yes.
Comment: Canonical splice site variant predicted to result in an in-frame deletion of exon 9 which would disrupt the BRCT1 domain, although in the absence of functional evidence the actual effect of this sequence change is unknown (Birrane 2007); Not observed at significant frequency in large population cohorts (gnomAD); Identified in an individual described as having a high hereditary risk of breast cancer in published literature (Li 2019); This variant is associated with the following publications: (PMID: 29752822, 29292755, 31803232, 17550235)

Literature cited by the submitters: PubMed 16199547 (cited by Labcorp Genetics (formerly Invitae), Labcorp); PubMed 20077502 (cited by Labcorp Genetics (formerly Invitae), Labcorp); PubMed 21344236 (cited by Labcorp Genetics (formerly Invitae), Labcorp); PubMed 29752822 (cited by Labcorp Genetics (formerly Invitae), Labcorp); PubMed 38355628 (cited by Labcorp Genetics (formerly Invitae), Labcorp).

NM_000465.4(BARD1):c.1811-1G>A

Gene: BARD1 (BRCA1 associated RING domain 1; minus strand). Cytogenetic location: 2q35.
Variant type: single nucleotide variant.
Coding change: c.1811-1G>A on transcript NM_000465.4 (MANE Select); the canonical splice acceptor site of the intron before coding-DNA position 1811, G replaced by A.
Molecular consequence: splice acceptor variant. On other transcripts: intron variant (1).
Genome position (GRCh38, 1-based): chr2:214,745,160, C>T on the plus strand (G>A on the coding strand, the complement: BARD1 is on the minus strand). VCF-style: chr2-214745160-C-T. GRCh37 (hg19) VCF-style: chr2-215609884-C-T.
Other names: c.401-1G>A (NM_001282548.2); c.1754-1G>A (NM_001282543.2); c.458-1G>A (NM_001282545.2); c.365-14652G>A (NM_001282549.2).
Identifiers: ClinVar variation 245801 (VCV000245801.16), dbSNP rs879253952, ClinGen allele CA10584173.